The following is an entry in ClinVar:

ClinVar aggregate classification (germline): Uncertain significance (1 of 4 stars; one submission).

Submission:

Labcorp Genetics (formerly Invitae), Labcorp
Classification: Uncertain significance. Last evaluated: 2025-10-07. Review status: criteria provided, single submitter. Criteria: Invitae Variant Classification Sherloc (09022015). Collection method: clinical testing. Allele origin: germline.
Comment: This sequence change replaces serine, which is neutral and polar, with glycine, which is neutral and non-polar, at codon 532 of the RIMS1 protein (p.Ser532Gly). This variant is not present in population databases (gnomAD no frequency). This variant has not been reported in the literature in individuals affected with RIMS1-related conditions. An algorithm developed to predict the effect of missense changes on protein structure and function (PolyPhen-2) suggests that this variant is likely to be tolerated. In summary, the available evidence is currently insufficient to determine the role of this variant in disease. Therefore, it has been classified as a Variant of Uncertain Significance.

NM_014989.7(RIMS1):c.1594A>G (p.Ser532Gly)

Genes: RIMS1 (regulating synaptic membrane exocytosis 1; plus strand), LOC129996709 (ATAC-STARR-seq lymphoblastoid active region 24736; plus strand). Cytogenetic location: 6q13.
Variant type: single nucleotide variant.
Coding change: c.1594A>G on transcript NM_014989.7 (MANE Select); coding-DNA position 1594, A replaced by G.
Protein change: p.Ser532Gly; replaces serine 532 with glycine.
Molecular consequence: missense variant.
Genome position (GRCh38, 1-based): chr6:72,183,065, A>G. VCF-style: chr6-72183065-A-G. GRCh37 (hg19) VCF-style: chr6-72892768-A-G.
Other names: short protein forms S532G.
Identifiers: ClinVar variation 4728194 (VCV004728194.1).